The following is an entry in ClinVar:

NM_001371333.1(DIABLO):c.51-3del

Gene: DIABLO (diablo IAP-binding mitochondrial protein; minus strand). Cytogenetic location: 12q24.31.
Variant type: Deletion.
Coding change: c.51-3del on transcript NM_001371333.1 (MANE Select); 3 bases into the intron before coding-DNA position 51, one base deleted (C; older notation c.51-3delC).
Molecular consequence: intron variant. On other transcripts: frameshift variant (3).
Genome position (GRCh38, 1-based): chr12:122,224,647, G deleted on the plus strand (C on the coding strand, the reverse complement: DIABLO is on the minus strand); the first of 2 consecutive G bases (chr12:122,224,647-122,224,648); deleting either gives the same sequence. VCF-style (leftmost placement, unchanged base first): chr12-122224646-TG-T. GRCh37 (hg19) VCF-style: chr12-122709193-TG-T.
Other names: c.22del, p.Gln8fs (NM_001278302.1, NM_001278304.2, NM_138930.3); c.-37+1318del (NM_001278303.1); c.51-3del (NM_001278342.1, NM_019887.6); short protein forms Q8fs.
Identifiers: ClinVar variation 4702857 (VCV004702857.1).

ClinVar aggregate classification (germline): Uncertain significance (1 of 4 stars; one submission).

Submission:

Labcorp Genetics (formerly Invitae), Labcorp
Classification: Uncertain significance. Last evaluated: 2025-04-17. Review status: criteria provided, single submitter. Criteria: Invitae Variant Classification Sherloc (09022015). Collection method: clinical testing. Allele origin: germline.
Comment: This sequence change falls in intron 2 of the DIABLO gene. It does not directly change the encoded amino acid sequence of the DIABLO protein. This variant is present in population databases (rs755042526, gnomAD 0.005%). This variant has not been reported in the literature in individuals affected with DIABLO-related conditions. Algorithms developed to predict the effect of sequence changes on RNA splicing suggest that this variant may disrupt the consensus splice site. In summary, the available evidence is currently insufficient to determine the role of this variant in disease. Therefore, it has been classified as a Variant of Uncertain Significance.